The following is an entry in ClinVar:

ClinVar aggregate classification (germline): Conflicting classifications of pathogenicity. Review status: criteria provided, conflicting classifications (1 of 4 stars). 2 submissions from 2 submitters: Uncertain significance (1); Likely benign (1). Last evaluated 2026-06-17.

Conditions:
Hereditary cancer-predisposing syndrome. Also called: Neoplastic Syndromes, Hereditary; Hereditary Cancer Syndrome; Tumor predisposition; Hereditary neoplastic syndrome. Identifiers: Orphanet 140162, MedGen C0027672, MeSH D009386, MONDO:0015356.

Submissions (2):

Ambry Genetics
Classification: Likely benign for Hereditary cancer-predisposing syndrome. Last evaluated: 2026-06-17. Review status: criteria provided, single submitter. Criteria: Ambry Variant Classification Scheme 2023. Collection method: clinical testing. Allele origin: germline.

Labcorp Genetics (formerly Invitae), Labcorp
Classification: Uncertain significance. Last evaluated: 2024-01-07. Review status: criteria provided, single submitter. Criteria: Invitae Variant Classification Sherloc (09022015). Collection method: clinical testing. Allele origin: germline.
Comment: This sequence change replaces valine, which is neutral and non-polar, with leucine, which is neutral and non-polar, at codon 1887 of the POLE protein (p.Val1887Leu). This variant is not present in population databases (gnomAD no frequency). This variant has not been reported in the literature in individuals affected with POLE-related conditions. ClinVar contains an entry for this variant (Variation ID: 965620). Advanced modeling of protein sequence and biophysical properties (such as structural, functional, and spatial information, amino acid conservation, physicochemical variation, residue mobility, and thermodynamic stability) performed at Invitae indicates that this missense variant is not expected to disrupt POLE protein function with a negative predictive value of 80%. In summary, the available evidence is currently insufficient to determine the role of this variant in disease. Therefore, it has been classified as a Variant of Uncertain Significance.

NM_006231.4(POLE):c.5659G>C (p.Val1887Leu)

Gene: POLE (DNA polymerase epsilon, catalytic subunit; minus strand). Cytogenetic location: 12q24.33.
Variant type: single nucleotide variant.
Coding change: c.5659G>C on transcript NM_006231.4 (MANE Select); coding-DNA position 5659, G replaced by C.
Protein change: p.Val1887Leu; replaces valine 1887 with leucine.
Molecular consequence: missense variant.
Genome position (GRCh38, 1-based): chr12:132,638,033, C>G on the plus strand (G>C on the coding strand, the complement: POLE is on the minus strand). VCF-style: chr12-132638033-C-G. GRCh37 (hg19) VCF-style: chr12-133214619-C-G.
Other names: c.5659G>C (NM_006231.2); short protein forms V1887L.
Identifiers: ClinVar variation 965620 (VCV000965620.10), dbSNP rs114119067, ClinGen allele CA387373951.